The following is an entry in ClinVar:

NM_015272.5(RPGRIP1L):c.2586T>C (p.Ser862=)

Gene: RPGRIP1L (RPGRIP1 like; minus strand). Cytogenetic location: 16q12.2.
Variant type: single nucleotide variant.
Coding change: c.2586T>C on transcript NM_015272.5 (MANE Select); coding-DNA position 2586, T replaced by C.
Protein change: p.Ser862=; no amino-acid change (serine 862 retained).
Molecular consequence: synonymous variant.
Genome position (GRCh38, 1-based): chr16:53,645,722, A>G on the plus strand (T>C on the coding strand, the complement: RPGRIP1L is on the minus strand). VCF-style: chr16-53645722-A-G. GRCh37 (hg19) VCF-style: chr16-53679634-A-G.
Other names: c.2586T>C, p.Ser862= (NM_001127897.4, NM_001308334.3, NM_001330538.2); c.2586T>C (NM_015272.4).
Identifiers: ClinVar variation 766144 (VCV000766144.12), dbSNP rs771569223, ClinGen allele CA8057521.

ClinVar aggregate classification (germline): Likely benign. Review status: criteria provided, multiple submitters, no conflicts (2 of 4 stars). 2 submissions from 2 submitters: Likely benign (2). Last evaluated 2025-12-13.

Conditions:
Meckel-Gruber syndrome. Also called: DYSENCEPHALIA SPLANCHNOCYSTICA; GRUBER SYNDROME; Dysencephalia splachnocystica. Identifiers: Orphanet 564, MedGen C0265215, MONDO:0018921.
Joubert syndrome. Also called: JOUBERT-BOLTSHAUSER SYNDROME; Familial aplasia of the vermis. Identifiers: Orphanet 475, MedGen C5979921, MONDO:0018772.
RPGRIP1L-related disorder. Also called: RPGRIP1L-related disorders; RPGRIP1L-related condition. Identifiers: MedGen CN239416.

Allele frequency attached by ClinVar (database versions not stated): gnomAD exomes below 0.00001; ExAC 0.00001; gnomAD 0.00001.
gnomAD v4.1: 9 of 1,613,940 alleles (0.00056%); highest among the groups gnomAD compares: Non-Finnish European, 0.00059%; no homozygotes.

Submissions (2):

PreventionGenetics, part of Exact Sciences
Classification: Likely benign for RPGRIP1L-related condition. Last evaluated: 2025-12-13. Review status: criteria provided, single submitter. Criteria: ACMG Guidelines, 2015. Collection method: clinical testing. Allele origin: germline.
Comment: This variant is classified as likely benign based on ACMG/AMP sequence variant interpretation guidelines (Richards et al. 2015 PMID: 25741868, with internal and published modifications).

Labcorp Genetics (formerly Invitae), Labcorp
Classification: Likely benign for Joubert syndrome; Meckel-Gruber syndrome. Last evaluated: 2024-05-29. Review status: criteria provided, single submitter. Criteria: Invitae Variant Classification Sherloc (09022015). Collection method: clinical testing. Allele origin: germline.